The following is an entry in ClinVar:

ClinVar aggregate classification (germline): Benign. Review status: criteria provided, multiple submitters, no conflicts (2 of 4 stars). 4 submissions from 4 submitters: Benign (3). 1 of the submissions does not count toward it. Last evaluated 2021-09-05.

Conditions:
Ataxia with oculomotor apraxia type 3. Also called: Ataxia-oculomotor apraxia 3. Identifiers: Orphanet 64753, MedGen C3554690, MONDO:0014084, OMIM 615217.

Allele frequency attached by ClinVar (database versions not stated): gnomAD exomes 0.40230 and 0.41066; ExAC 0.41078; 1000 Genomes Project 0.44349; 1000 Genomes Project 30x 0.45237; gnomAD 0.46926 and 0.47682; TOPMed 0.48667; ESP Exome Variant Server 0.50215.

Submissions (4):

Genome-Nilou Lab
Classification: Benign for Ataxia with oculomotor apraxia type 3. Last evaluated: 2021-09-05. Review status: criteria provided, single submitter. Criteria: ACMG Guidelines, 2015. Collection method: clinical testing. Allele origin: germline. Affected: no.

Breakthrough Genomics
Classification: Benign. Review status: criteria provided, single submitter. Criteria: ACMG Guidelines, 2015. Collection method: not provided. Allele origin: germline. Inheritance: Autosomal recessive inheritance. Affected: yes.

PreventionGenetics, part of Exact Sciences
Classification: Benign. Review status: criteria provided, single submitter. Criteria: ACMG Guidelines, 2015. Collection method: clinical testing. Allele origin: germline.

Genetic Services Laboratory, University of Chicago
Classification: Likely benign for AllHighlyPenetrant. Review status: no assertion criteria provided. Collection method: clinical testing. Allele origin: germline. Inheritance: Autosomal recessive inheritance. Not counted in ClinVar's aggregate classification.
Comment: Likely benign based on allele frequency in 1000 Genomes Project or ESP global frequency and its presence in a patient with a rare or unrelated disease phenotype. NOT Sanger confirmed.

NM_001142633.3(PIK3R5):c.1075T>C (p.Leu359=)

Gene: PIK3R5 (phosphoinositide-3-kinase regulatory subunit 5; minus strand). Cytogenetic location: 17p13.1.
Variant type: single nucleotide variant.
Coding change: c.1075T>C on transcript NM_001142633.3 (MANE Select); coding-DNA position 1075, T replaced by C.
Protein change: p.Leu359=; no amino-acid change (leucine 359 retained).
Molecular consequence: synonymous variant. On other transcripts: 5 prime UTR variant (8).
Genome position (GRCh38, 1-based): chr17:8,888,712, A>G on the plus strand (T>C on the coding strand, the complement: PIK3R5 is on the minus strand). VCF-style: chr17-8888712-A-G. GRCh37 (hg19) VCF-style: chr17-8792029-A-G.
Other names: c.-84T>C (NM_001251851.2, NM_001251852.2, NM_001251853.2 and 5 more transcripts); c.1075T>C, p.Leu359= (NM_001388396.1, NM_014308.4).
Identifiers: ClinVar variation 129893 (VCV000129893.10), dbSNP rs381309, ClinGen allele CA154249.